The following is an entry in ClinVar:

NM_014956.5(CEP164):c.3267A>C (p.Leu1089Phe)

Gene: CEP164 (centrosomal protein 164; plus strand). Cytogenetic location: 11q23.3.
Variant type: single nucleotide variant.
Coding change: c.3267A>C on transcript NM_014956.5 (MANE Select); coding-DNA position 3267, A replaced by C.
Protein change: p.Leu1089Phe; replaces leucine 1089 with phenylalanine.
Molecular consequence: missense variant.
Genome position (GRCh38, 1-based): chr11:117,396,600, A>C. VCF-style: chr11-117396600-A-C. GRCh37 (hg19) VCF-style: chr11-117267316-A-C.
Other names: c.3276A>C, p.Leu1092Phe (NM_001271933.2); short protein forms L1089F, L1092F.
Identifiers: ClinVar variation 3358251 (VCV003358251.1).

ClinVar aggregate classification (germline): Uncertain significance (0 of 4 stars; one submission).

Conditions:
CEP164-related disorder. Also called: CEP164-related condition.

gnomAD v4.1: 16 of 1,613,284 alleles (0.00099%); highest among the groups gnomAD compares: Non-Finnish European, 0.0014%; no homozygotes.

Submission:

PreventionGenetics, part of Exact Sciences
Classification: Uncertain significance for CEP164-related condition. Last evaluated: 2024-08-24. Review status: no assertion criteria provided. Collection method: clinical testing. Allele origin: germline.
Comment: The CEP164 c.3267A>C variant is predicted to result in the amino acid substitution p.Leu1089Phe. To our knowledge, this variant has not been reported in the literature. This variant is reported in 0.0026% of alleles in individuals of European (Non-Finnish) descent in gnomAD. At this time, the clinical significance of this variant is uncertain due to the absence of conclusive functional and genetic evidence.